The following is an entry in ClinVar:

NM_018474.6(KIZ):c.359A>T (p.Asp120Val)

Gene: KIZ (kizuna centrosomal protein; plus strand). Cytogenetic location: 20p11.23.
Variant type: single nucleotide variant.
Coding change: c.359A>T on transcript NM_018474.6 (MANE Select); coding-DNA position 359, A replaced by T.
Protein change: p.Asp120Val; replaces aspartic acid 120 with valine.
Molecular consequence: missense variant. On other transcripts: intron variant (1).
Genome position (GRCh38, 1-based): chr20:21,145,608, A>T. VCF-style: chr20-21145608-A-T. GRCh37 (hg19) VCF-style: chr20-21126249-A-T.
Other names: c.359A>T (NM_018474.4); c.50A>T, p.Asp17Val (NM_001163022.3, NM_001352435.2); c.212A>T, p.Asp71Val (NM_001276389.2); c.359A>T, p.Asp120Val (NM_001352434.2); c.17A>T, p.Asp6Val (NM_001352436.2); c.6+13449A>T (NM_001163023.3); short protein forms D120V, D17V, D6V, D71V.
Identifiers: ClinVar variation 1051142 (VCV001051142.10), dbSNP rs777812633, ClinGen allele CA312977911.

ClinVar aggregate classification (germline): Uncertain significance. Review status: criteria provided, multiple submitters, no conflicts (2 of 4 stars). 3 submissions from 3 submitters: Uncertain significance (3). Last evaluated 2024-10-08.

Allele frequency attached by ClinVar (database versions not stated): gnomAD exomes 0.00001; TOPMed 0.00005; gnomAD 0.00006.
gnomAD v4.1: 139 of 1,530,678 alleles (0.0091%); highest among the groups gnomAD compares: Non-Finnish European, 0.012%; no homozygotes.

Submissions (3):

Labcorp Genetics (formerly Invitae), Labcorp
Classification: Uncertain significance. Last evaluated: 2024-10-08. Review status: criteria provided, single submitter. Criteria: Invitae Variant Classification Sherloc (09022015). Collection method: clinical testing. Allele origin: germline.
Comment: This sequence change replaces aspartic acid, which is acidic and polar, with valine, which is neutral and non-polar, at codon 120 of the KIZ protein (p.Asp120Val). This variant is present in population databases (rs777812633, gnomAD 0.006%). This variant has not been reported in the literature in individuals affected with KIZ-related conditions. ClinVar contains an entry for this variant (Variation ID: 1051142). Experimental studies and prediction algorithms are not available or were not evaluated, and the functional significance of this variant is currently unknown. In summary, the available evidence is currently insufficient to determine the role of this variant in disease. Therefore, it has been classified as a Variant of Uncertain Significance.

Blueprint Genetics
Classification: Uncertain significance. Last evaluated: 2024-08-19. Review status: criteria provided, single submitter. Criteria: ACMG Guidelines, 2015. Collection method: clinical testing. Allele origin: germline.

Ambry Genetics
Classification: Uncertain significance. Last evaluated: 2023-06-29. Review status: criteria provided, single submitter. Criteria: Ambry Variant Classification Scheme 2023. Collection method: clinical testing. Allele origin: germline.